The following is an entry in ClinVar:

ClinVar aggregate classification (germline): Likely benign. Review status: criteria provided, multiple submitters, no conflicts (2 of 4 stars). 3 submissions from 3 submitters: Likely benign (3). Last evaluated 2026-05-18.

Conditions:
Ehlers-Danlos syndrome, classic type, 1 (EDSCL1). Also called: EHLERS-DANLOS SYNDROME, GRAVIS TYPE; EHLERS-DANLOS SYNDROME, SEVERE CLASSIC TYPE; EDS I; Ehlers-Danlos Syndrome, Classic Type, COL5A1-Related; Ehlers-Danlos syndrome, type 1. Identifiers: MedGen C0268335, MONDO:0019567, OMIM 130000.

Allele frequency attached by ClinVar (database versions not stated): gnomAD 0.00001; gnomAD exomes 0.00002; TOPMed 0.00002; ExAC 0.00003.
gnomAD v4.1: 21 of 1,613,872 alleles (0.0013%); highest among the groups gnomAD compares: South Asian, 0.0055%; no homozygotes.

Submissions (3):

Women's Health and Genetics/Laboratory Corporation of America, LabCorp
Classification: Likely benign. Last evaluated: 2026-05-18. Review status: criteria provided, single submitter. Criteria: LabCorp Variant Classification Summary - May 2015. Collection method: clinical testing. Allele origin: germline.
Comment: Variant summary: COL5A1 c.3529-5C>T alters a nucleotide located at a position not widely known to affect splicing. Consensus agreement among computation tools predict no significant impact on normal splicing. However, these predictions have yet to be confirmed by functional studies. The variant allele was found at a frequency of 2.4e-05 in 251486 control chromosomes. The available data on variant occurrences in the general population are insufficient to allow any conclusion about variant significance. To our knowledge, no occurrence of c.3529-5C>T in individuals affected with COL5A1-related conditions and no experimental evidence demonstrating its impact on protein function have been reported. ClinVar contains an entry for this variant (Variation ID: 511476). Based on the evidence outlined above, the variant was classified as likely benign.

Labcorp Genetics (formerly Invitae), Labcorp
Classification: Likely benign for Ehlers-Danlos syndrome, classic type, 1. Last evaluated: 2025-11-18. Review status: criteria provided, single submitter. Criteria: Invitae Variant Classification Sherloc (09022015). Collection method: clinical testing. Allele origin: germline.

GeneDx
Classification: Likely benign. Last evaluated: 2017-08-17. Review status: criteria provided, single submitter. Criteria: GeneDx Variant Classification (06012015). Collection method: clinical testing. Allele origin: germline. Affected: yes.
Comment: This variant is considered likely benign or benign based on one or more of the following criteria: it is a conservative change, it occurs at a poorly conserved position in the protein, it is predicted to be benign by multiple in silico algorithms, and/or has population frequency not consistent with disease.

NM_000093.5(COL5A1):c.3529-5C>T

Gene: COL5A1 (collagen type V alpha 1 chain; plus strand). Cytogenetic location: 9q34.3.
Variant type: single nucleotide variant.
Coding change: c.3529-5C>T on transcript NM_000093.5 (MANE Select); 5 bases into the intron before coding-DNA position 3529, C replaced by T.
Molecular consequence: intron variant.
Genome position (GRCh38, 1-based): chr9:134,811,334, C>T. VCF-style: chr9-134811334-C-T. GRCh37 (hg19) VCF-style: chr9-137703180-C-T.
Other names: c.3529-5C>T (NM_001278074.1).
Identifiers: ClinVar variation 511476 (VCV000511476.5), dbSNP rs755227263, ClinGen allele CA5319923.
Genomic context (GRCh38, chr9:134,811,334, plus strand): 5'-CACCCCTCCCTCAGCCTTATCCACGATCCAAGAAGCTACCTATGTCTCTGTCTTGTTCCC[C>T]GCAGGGTCCTCCTGGGCCTACAGGTCCTCAAGGCCCCATCGGACAGCCAGGCCCCTCTGT-3'